The following is an entry in ClinVar:

ClinVar aggregate classification (germline): Pathogenic (1 of 4 stars; one submission).

Submission:

Labcorp Genetics (formerly Invitae), Labcorp
Classification: Pathogenic. Last evaluated: 2025-06-24. Review status: criteria provided, single submitter. Criteria: Invitae Variant Classification Sherloc (09022015). Collection method: clinical testing. Allele origin: germline.
Comment: This sequence change creates a premature translational stop signal (p.Asp112*) in the MME gene. It is expected to result in an absent or disrupted protein product. Loss-of-function variants in MME are known to be pathogenic (PMID: 26991897). This variant is not present in population databases (gnomAD no frequency). This variant has not been reported in the literature in individuals affected with MME-related conditions. For these reasons, this variant has been classified as Pathogenic.

Literature cited by the submitters: PubMed 26991897.

NM_007289.4(MME):c.330_331del (p.Arg111_Asp112insTer)

Gene: MME (membrane metalloendopeptidase; plus strand). Cytogenetic location: 3q25.2.
Variant type: Deletion.
Coding change: c.330_331del on transcript NM_007289.4 (MANE Select); coding-DNA positions 330 to 331, 2 bases deleted (AA; older notation c.330_331delAA).
Protein change: p.Arg111_Asp112insTer.
Molecular consequence: frameshift variant.
Genome position (GRCh38, 1-based): chr3:155,115,127-155,115,128, AA deleted. VCF-style (leftmost placement, unchanged base first): chr3-155115126-TAA-T. GRCh37 (hg19) VCF-style: chr3-154832915-TAA-T.
Other names: c.330_331del, p.Arg111_Asp112insTer (NM_000902.5, NM_001354642.2, NM_001354643.1 and 2 more transcripts).
Identifiers: ClinVar variation 4779758 (VCV004779758.1).